The following is an entry in ClinVar:

ClinVar aggregate classification (germline): Benign. Review status: criteria provided, multiple submitters, no conflicts (2 of 4 stars). 2 submissions from 2 submitters: Benign (2). Last evaluated 2018-01-12.

Conditions:
Nail-patella syndrome (NPS). Also called: FONG DISEASE; ONYCHOOSTEODYSPLASIA; TURNER-KIESER SYNDROME. Identifiers: Orphanet 2614, MedGen C0027341, MONDO:0008061, OMIM 161200.

Allele frequency attached by ClinVar (database versions not stated): TOPMed 0.25242; gnomAD 0.25994 and 0.26369; 1000 Genomes Project 30x 0.27389; 1000 Genomes Project 0.27915; gnomAD exomes 0.29412.
gnomAD v4.1: 40,190 of 151,994 alleles (26%); highest among the groups gnomAD compares: South Asian, 37%; 5,380 homozygotes.

Submissions (2):

Illumina Laboratory Services, Illumina
Classification: Benign for Nail-patella syndrome. Last evaluated: 2018-01-12. Review status: criteria provided, single submitter. Criteria: ICSL Variant Classification Criteria 13 December 2019. Collection method: clinical testing. Allele origin: germline.
Comment: This variant was observed in the ICSL laboratory as part of a predisposition screen in an ostensibly healthy population. It had not been previously curated by ICSL or reported in the Human Gene Mutation Database (HGMD: prior to June 1st, 2018), and was therefore a candidate for classification through an automated scoring system. Utilizing variant allele frequency, disease prevalence and penetrance estimates, and inheritance mode, an automated score was calculated to assess if this variant is too frequent to cause the disease. Based on the score and internal cut-off values, a variant classified as benign is not then subjected to further curation. The score for this variant resulted in a classification of benign for this disease.

Breakthrough Genomics
Classification: Benign. Review status: criteria provided, single submitter. Criteria: ACMG Guidelines, 2015. Collection method: not provided. Allele origin: germline. Inheritance: Autosomal dominant inheritance. Affected: yes.

NM_001174147.2(LMX1B):c.*3342T>C

Gene: LMX1B (LIM homeobox transcription factor 1 beta; plus strand). Cytogenetic location: 9q33.3.
Variant type: single nucleotide variant.
Coding change: c.*3342T>C on transcript NM_001174147.2 (MANE Select); 3342 bases downstream of the stop codon, T replaced by C.
Molecular consequence: 3 prime UTR variant.
Genome position (GRCh38, 1-based): chr9:126,699,793, T>C. VCF-style: chr9-126699793-T-C. GRCh37 (hg19) VCF-style: chr9-129462072-T-C.
Other names: c.*3342T>C (NM_001174146.2, NM_002316.4).
Identifiers: ClinVar variation 364967 (VCV000364967.6), dbSNP rs4083645, ClinGen allele CA10632495.